The following is an entry in ClinVar:

NM_000081.4(LYST):c.9327T>A (p.Asp3109Glu)

Gene: LYST (lysosomal trafficking regulator; minus strand). Cytogenetic location: 1q42.3.
Variant type: single nucleotide variant.
Coding change: c.9327T>A on transcript NM_000081.4 (MANE Select); coding-DNA position 9327, T replaced by A.
Protein change: p.Asp3109Glu; replaces aspartic acid 3109 with glutamic acid.
Molecular consequence: missense variant.
Genome position (GRCh38, 1-based): chr1:235,720,894, A>T on the plus strand (T>A on the coding strand, the complement: LYST is on the minus strand). VCF-style: chr1-235720894-A-T. GRCh37 (hg19) VCF-style: chr1-235884194-A-T.
Other names: p.Asp3109Glu; c.9327T>A (NM_000081.2); c.9327T>A, p.Asp3109Glu (NM_001301365.1); short protein forms D3109E.
Identifiers: ClinVar variation 648882 (VCV000648882.10), dbSNP rs1413246726, ClinGen allele CA344944477.
Genomic context (GRCh38, chr1:235,720,894, plus strand): 5'-GGTGATGTTACCATATTCCAGAAGATTAGGGAGGTTATTTGTGAGTATATTGTGGTATAC[A>T]TCATCACGAACCTAAAAGGGAAGGAGAAGAAAAAAACCCAGATATTATTTTTAGTCTTAT-3'
Protein context (NP_000072.2, residues 3099-3119): LAFDNTKVRD[Asp3109Glu]VYHNILTNNL

ClinVar aggregate classification (germline): Uncertain significance. Review status: criteria provided, multiple submitters, no conflicts (2 of 4 stars). 5 submissions from 5 submitters: Uncertain significance (5). Last evaluated 2026-03-30.

Conditions:
Inborn genetic diseases. Identifiers: MedGen C0950123, MeSH D030342.
Autoinflammatory syndrome. Identifiers: Orphanet 93665, MedGen C3890737, MONDO:0019751.
Chédiak-Higashi syndrome (CHS). Also called: Chediak-Higashi Syndrome. Identifiers: Orphanet 167, MedGen C0007965, MONDO:0008963, OMIM 214500.

Allele frequency attached by ClinVar (database versions not stated): gnomAD exomes 0.00001; gnomAD 0.00007 and 0.00009.
gnomAD v4.1: 31 of 1,613,556 alleles (0.0019%); highest among the groups gnomAD compares: Admixed American, 0.02%; no homozygotes.

Submissions (5):

Women's Health and Genetics/Laboratory Corporation of America, LabCorp
Classification: Uncertain significance. Last evaluated: 2026-03-30. Review status: criteria provided, single submitter. Criteria: LabCorp Variant Classification Summary - May 2015. Collection method: clinical testing. Allele origin: germline.
Comment: Variant summary: LYST c.9327T>A (p.Asp3109Glu) results in a conservative amino acid change in the encoded protein sequence. Algorithms developed to predict the effect of missense changes on protein structure and function are either unavailable or do not agree on the potential impact of this missense change. The variant allele was found at a frequency of 8e-06 in 250768 control chromosomes. The available data on variant occurrences in the general population are insufficient to allow any conclusion about variant significance. To our knowledge, no occurrence of c.9327T>A in individuals affected with LYST-related conditions and no experimental evidence demonstrating its impact on protein function have been reported. ClinVar contains an entry for this variant (Variation ID: 648882). Based on the evidence outlined above, the variant was classified as uncertain significance.

Mayo Clinic Laboratories, Mayo Clinic
Classification: Uncertain significance. Last evaluated: 2025-09-22. Review status: criteria provided, single submitter. Criteria: ACMG Guidelines, 2015. Collection method: clinical testing. Allele origin: germline. Observed: 1 variant allele.
Comment: BP4_moderate

Labcorp Genetics (formerly Invitae), Labcorp
Classification: Uncertain significance for Chédiak-Higashi syndrome. Last evaluated: 2022-09-01. Review status: criteria provided, single submitter. Criteria: Invitae Variant Classification Sherloc (09022015). Collection method: clinical testing. Allele origin: germline.
Comment: This sequence change replaces aspartic acid, which is acidic and polar, with glutamic acid, which is acidic and polar, at codon 3109 of the LYST protein (p.Asp3109Glu). This variant is present in population databases (no rsID available, gnomAD 0.006%). This variant has not been reported in the literature in individuals affected with LYST-related conditions. ClinVar contains an entry for this variant (Variation ID: 648882). Algorithms developed to predict the effect of missense changes on protein structure and function are either unavailable or do not agree on the potential impact of this missense change (SIFT: "Deleterious"; PolyPhen-2: "Benign"; Align-GVGD: "Class C0"). In summary, the available evidence is currently insufficient to determine the role of this variant in disease. Therefore, it has been classified as a Variant of Uncertain Significance.

Ambry Genetics
Classification: Uncertain significance for Inborn genetic diseases. Last evaluated: 2022-05-04. Review status: criteria provided, single submitter. Criteria: Ambry Variant Classification Scheme 2023. Collection method: clinical testing. Allele origin: germline.

Genome Diagnostics Laboratory, The Hospital for Sick Children
Classification: Uncertain significance for Autoinflammatory syndrome. Last evaluated: 2020-04-01. Review status: criteria provided, single submitter. Criteria: ACMG Guidelines, 2015. Collection method: clinical testing. Allele origin: germline. Affected: yes.

Literature cited by the submitters: PubMed 32099069 (cited by Ambry Genetics).